The following is an entry in ClinVar:

ClinVar aggregate classification (germline): Uncertain significance. Review status: criteria provided, single submitter (1 of 4 stars). 2 submissions from 2 submitters: Uncertain significance (1). 1 of the submissions does not count toward it. Last evaluated 2025-08-06.

Conditions:
Inborn genetic diseases. Identifiers: MedGen C0950123, MeSH D030342.
NRCAM-related disorder.

Allele frequency attached by ClinVar (database versions not stated): ExAC 0.00070; gnomAD 0.00200; TOPMed 0.00223; 1000 Genomes Project 0.00240; ESP Exome Variant Server 0.00269; 1000 Genomes Project 30x 0.00328.

Submissions (2):

Ambry Genetics
Classification: Uncertain significance for Inborn genetic diseases. Last evaluated: 2025-08-06. Review status: criteria provided, single submitter. Criteria: Ambry Variant Classification Scheme 2023. Collection method: clinical testing. Allele origin: germline.

PreventionGenetics, part of Exact Sciences
Classification: Benign for NRCAM-related condition. Last evaluated: 2024-01-20. Review status: no assertion criteria provided. Collection method: clinical testing. Allele origin: germline. Not counted in ClinVar's aggregate classification.
Comment: This variant is classified as benign based on ACMG/AMP sequence variant interpretation guidelines (Richards et al. 2015 PMID: 25741868, with internal and published modifications).

NM_001037132.4(NRCAM):c.1484G>A (p.Ser495Asn)

Gene: NRCAM (neuronal cell adhesion molecule; minus strand). Cytogenetic location: 7q31.1.
Variant type: single nucleotide variant.
Coding change: c.1484G>A on transcript NM_001037132.4 (MANE Select); coding-DNA position 1484, G replaced by A.
Protein change: p.Ser495Asn; replaces serine 495 with asparagine.
Molecular consequence: missense variant. On other transcripts: non-coding transcript variant (5).
Genome position (GRCh38, 1-based): chr7:108,194,408, C>T on the plus strand (G>A on the coding strand, the complement: NRCAM is on the minus strand). VCF-style: chr7-108194408-C-T. GRCh37 (hg19) VCF-style: chr7-107834852-C-T.
Other names: c.1484G>A, p.Ser495Asn (NM_001193582.2, NM_001371123.1, NM_001371128.1 and 13 more transcripts); c.1427G>A, p.Ser476Asn (NM_001193583.2, NM_001193584.2, NM_001371119.1 and 22 more transcripts); c.1139G>A, p.Ser380Asn (NM_001371125.1, NM_001371147.1, NM_001371164.1 and 2 more transcripts); c.1481G>A, p.Ser494Asn (NM_001371127.1); c.1466G>A, p.Ser489Asn (NM_001371130.1, NM_001371133.1, NM_001371151.1 and 9 more transcripts); c.1463G>A, p.Ser488Asn (NM_001371134.1); c.1196G>A, p.Ser399Asn (NM_001371148.1, NM_001371170.1, NM_001371179.1 and 1 more transcripts); c.557G>A, p.Ser186Asn (NM_001371137.1); and 1 more; short protein forms S186N, S380N, S399N, S470N, S476N, S488N, S489N, S494N.
Identifiers: ClinVar variation 3055402 (VCV003055402.3), dbSNP rs116499789, ClinGen allele CA4438892.